The following is an entry in ClinVar:

ClinVar aggregate classification (germline): Uncertain significance. Review status: criteria provided, multiple submitters, no conflicts (2 of 4 stars). 8 submissions from 8 submitters: Uncertain significance (6). 2 of the submissions do not count toward it. Last evaluated 2024-05-29.

Conditions:
BBS12-related ciliopathy. Identifiers: MedGen CN378631, MONDO:1040045.
BBS12-related disorder. Also called: BBS12-related condition.
Inborn genetic diseases. Identifiers: MedGen C0950123, MeSH D030342.
Bardet-Biedl syndrome (BBS). Identifiers: Orphanet 110, MedGen C0752166, MONDO:0015229.
Bardet-Biedl syndrome 12 (BBS12). Identifiers: Orphanet 110, MedGen C1859570, MONDO:0014440, OMIM 615989.

Allele frequency attached by ClinVar (database versions not stated): gnomAD 0.00005 and 0.00006; ExAC 0.00006; TOPMed 0.00007; gnomAD exomes 0.00008 and 0.00021; ESP Exome Variant Server 0.00015.
gnomAD v4.1: 327 of 1,614,148 alleles (0.02%); highest among the groups gnomAD compares: Non-Finnish European, 0.026%; no homozygotes.

Submissions (8):

Fulgent Genetics
Classification: Uncertain significance for Bardet-Biedl syndrome 12. Last evaluated: 2024-05-29. Review status: criteria provided, single submitter. Criteria: ACMG Guidelines, 2015. Collection method: clinical testing. Allele origin: germline.

Blueprint Genetics
Classification: Uncertain significance. Last evaluated: 2023-09-06. Review status: criteria provided, single submitter. Criteria: ACMG Guidelines, 2015. Collection method: clinical testing. Allele origin: germline.

Labcorp Genetics (formerly Invitae), Labcorp
Classification: Uncertain significance for Bardet-Biedl syndrome. Last evaluated: 2022-10-05. Review status: criteria provided, single submitter. Criteria: Invitae Variant Classification Sherloc (09022015). Collection method: clinical testing. Allele origin: germline.
Comment: This sequence change replaces lysine, which is basic and polar, with glutamic acid, which is acidic and polar, at codon 379 of the BBS12 protein (p.Lys379Glu). This variant is present in population databases (rs369878286, gnomAD 0.02%). This variant has not been reported in the literature in individuals affected with BBS12-related conditions. ClinVar contains an entry for this variant (Variation ID: 501682). Advanced modeling of protein sequence and biophysical properties (such as structural, functional, and spatial information, amino acid conservation, physicochemical variation, residue mobility, and thermodynamic stability) performed at Invitae indicates that this missense variant is expected to disrupt BBS12 protein function. In summary, the available evidence is currently insufficient to determine the role of this variant in disease. Therefore, it has been classified as a Variant of Uncertain Significance.

Department of Pathology and Laboratory Medicine, Sinai Health System
Classification: Uncertain significance for BBS12-related ciliopathy. Last evaluated: 2021-09-30. Review status: criteria provided, single submitter. Criteria: ACMG Guidelines, 2015. Collection method: research. Allele origin: germline.

Ambry Genetics
Classification: Uncertain significance for Inborn genetic diseases. Last evaluated: 2021-04-07. Review status: criteria provided, single submitter. Criteria: Ambry Variant Classification Scheme 2023. Collection method: clinical testing. Allele origin: germline.
Comment: The c.1135A>G (p.K379E) alteration is located in exon 2 (coding exon 1) of the BBS12 gene. This alteration results from a A to G substitution at nucleotide position 1135, causing the lysine (K) at amino acid position 379 to be replaced by a glutamic acid (E). The heterozygous missense change is rare in population databases:_x000D_ _x000D_ Based on data from the NHLBI Exome Sequencing Project (ESP), the BBS12 c.1135A>G alteration was observed in 2 among 13006 total alleles studied (0.02%). Allele frequency data for this nucleotide position are not currently available from the 1000 Genomes Project. Based on data from gnomAD the c.1135A>G alteration was observed among 0.009% (22/246188) of total alleles studied, having been observed in 0.019% (21/111662) non-Finnish European alleles. The altered amino acid is not conserved throughout evolution:_x000D_ _x000D_ The p.K379 amino acid is not conserved in available vertebrate species. The p.K379E alteration is predicted to be benign by Polyphen and deleterious by SIFT in silico analyses. Based on insufficient or conflicting evidence, the clinical significance of this alteration remains unclear.

Eurofins Ntd Llc (ga)
Classification: Uncertain significance. Last evaluated: 2017-05-02. Review status: criteria provided, single submitter. Criteria: EGL Classification Definitions 2015. Collection method: clinical testing. Allele origin: germline. Observed: 1 variant allele, 1 heterozygote.

PreventionGenetics, part of Exact Sciences
Classification: Uncertain significance for BBS12-related condition. Last evaluated: 2024-01-03. Review status: no assertion criteria provided. Collection method: clinical testing. Allele origin: germline. Not counted in ClinVar's aggregate classification.
Comment: The BBS12 c.1135A>G variant is predicted to result in the amino acid substitution p.Lys379Glu. To our knowledge, this variant has not been reported in the literature. This variant is reported in 0.015% of alleles in individuals of European (Non-Finnish) descent in gnomAD. At this time, the clinical significance of this variant is uncertain due to the absence of conclusive functional and genetic evidence.

Natera, Inc.
Classification: Uncertain significance for Bardet-Biedl syndrome type 12. Last evaluated: 2019-10-28. Review status: no assertion criteria provided. Collection method: clinical testing. Allele origin: germline. Not counted in ClinVar's aggregate classification.

NM_152618.3(BBS12):c.1135A>G (p.Lys379Glu)

Gene: BBS12 (Bardet-Biedl syndrome 12; plus strand). Cytogenetic location: 4q27.
Variant type: single nucleotide variant.
Coding change: c.1135A>G on transcript NM_152618.3 (MANE Select); coding-DNA position 1135, A replaced by G.
Protein change: p.Lys379Glu; replaces lysine 379 with glutamic acid.
Molecular consequence: missense variant.
Genome position (GRCh38, 1-based): chr4:122,743,027, A>G. VCF-style: chr4-122743027-A-G. GRCh37 (hg19) VCF-style: chr4-123664182-A-G.
Other names: c.1135A>G, p.Lys379Glu (NM_001178007.2); short protein forms K379E.
Identifiers: ClinVar variation 501682 (VCV000501682.15), dbSNP rs369878286, ClinGen allele CA3069381.